The following is an entry in ClinVar:

ClinVar aggregate classification (germline): Uncertain significance. Review status: criteria provided, multiple submitters, no conflicts (2 of 4 stars). 3 submissions from 3 submitters: Uncertain significance (3). Last evaluated 2025-08-28.

Conditions:
Cranioectodermal dysplasia 1 (CED1). Also called: LEVIN SYNDROME I. Identifiers: Orphanet 1515, MedGen C0432235, MONDO:0021093, OMIM 218330.
Inborn genetic diseases. Identifiers: MedGen C0950123, MeSH D030342.

Allele frequency attached by ClinVar (database versions not stated): ExAC 0.00003; gnomAD 0.00003; TOPMed 0.00004; gnomAD exomes 0.00005; ESP Exome Variant Server 0.00015.
gnomAD v4.1: 113 of 1,613,390 alleles (0.007%); highest among the groups gnomAD compares: South Asian, 0.011%; no homozygotes.

Submissions (3):

Ambry Genetics
Classification: Uncertain significance for Inborn genetic diseases. Last evaluated: 2025-08-28. Review status: criteria provided, single submitter. Criteria: Ambry Variant Classification Scheme 2023. Collection method: clinical testing. Allele origin: germline.

Fulgent Genetics
Classification: Uncertain significance for Cranioectodermal dysplasia 1. Last evaluated: 2024-05-03. Review status: criteria provided, single submitter. Criteria: ACMG Guidelines, 2015. Collection method: clinical testing. Allele origin: germline.

Labcorp Genetics (formerly Invitae), Labcorp
Classification: Uncertain significance for Cranioectodermal dysplasia 1. Last evaluated: 2021-12-03. Review status: criteria provided, single submitter. Criteria: Invitae Variant Classification Sherloc (09022015). Collection method: clinical testing. Allele origin: germline.
Comment: This sequence change replaces arginine, which is basic and polar, with histidine, which is basic and polar, at codon 1225 of the IFT122 protein (p.Arg1225His). This variant is present in population databases (rs143602964, gnomAD 0.01%). This variant has not been reported in the literature in individuals affected with IFT122-related conditions. Algorithms developed to predict the effect of missense changes on protein structure and function are either unavailable or do not agree on the potential impact of this missense change (SIFT: "Deleterious"; PolyPhen-2: "Benign"; Align-GVGD: "Class C0"). In summary, the available evidence is currently insufficient to determine the role of this variant in disease. Therefore, it has been classified as a Variant of Uncertain Significance.

NM_052989.3(IFT122):c.3521G>A (p.Arg1174His)

Gene: IFT122 (intraflagellar transport 122; plus strand). Cytogenetic location: 3q22.1.
Variant type: single nucleotide variant.
Coding change: c.3521G>A on transcript NM_052989.3 (MANE Select); coding-DNA position 3521, G replaced by A.
Protein change: p.Arg1174His; replaces arginine 1174 with histidine.
Molecular consequence: missense variant.
Genome position (GRCh38, 1-based): chr3:129,519,617, G>A. VCF-style: chr3-129519617-G-A. GRCh37 (hg19) VCF-style: chr3-129238460-G-A.
Other names: c.3674G>A (NM_052985.2); c.3500G>A, p.Arg1167His (NM_001280541.2); c.3071G>A, p.Arg1024His (NM_001280545.2); c.2894G>A, p.Arg965His (NM_001280546.2); c.3344G>A, p.Arg1115His (NM_018262.4); c.3674G>A, p.Arg1225His (NM_052985.4); c.3191G>A, p.Arg1064His (NM_052990.3); short protein forms R1115H, R1167H, R1064H, R1174H, R965H, R1225H, R1024H.
Identifiers: ClinVar variation 1506417 (VCV001506417.6), dbSNP rs143602964, ClinGen allele CA2606955.